The following is an entry in ClinVar:

NM_000346.4(SOX9):c.337A>G (p.Met113Val)

Genes: SOX9 (SRY-box transcription factor 9; plus strand), LOC108021846 (SOX9 promoter region; plus strand). Cytogenetic location: 17q24.3.
Variant type: single nucleotide variant.
Coding change: c.337A>G on transcript NM_000346.4 (MANE Select); coding-DNA position 337, A replaced by G.
Protein change: p.Met113Val; replaces methionine 113 with valine.
Molecular consequence: missense variant.
Genome position (GRCh38, 1-based): chr17:72,121,728, A>G. VCF-style: chr17-72121728-A-G. GRCh37 (hg19) VCF-style: chr17-70117869-A-G.
Other names: short protein forms M113V.
Identifiers: ClinVar variation 1254813 (VCV001254813.5), dbSNP rs2143240089, ClinGen allele CA400866045.

ClinVar aggregate classification (germline): Pathogenic. Review status: criteria provided, multiple submitters, no conflicts (2 of 4 stars). 2 submissions from 2 submitters: Pathogenic (2). Last evaluated 2023-05-16.

Conditions:
Camptomelic dysplasia (CMPD). Also called: CMPD1/SRA1; Campomelic Dysplasia. Identifiers: Orphanet 140, MedGen C1861922, MONDO:0007251, OMIM 114290.

Submissions (2):

Labcorp Genetics (formerly Invitae), Labcorp
Classification: Pathogenic for Camptomelic dysplasia. Last evaluated: 2023-05-16. Review status: criteria provided, single submitter. Criteria: Invitae Variant Classification Sherloc (09022015). Collection method: clinical testing. Allele origin: germline.
Comment: This variant disrupts the p.Met113 amino acid residue in SOX9. Other variant(s) that disrupt this residue have been determined to be pathogenic (PMID: 20513132, 32381727). This suggests that this residue is clinically significant, and that variants that disrupt this residue are likely to be disease-causing. For these reasons, this variant has been classified as Pathogenic. Advanced modeling of protein sequence and biophysical properties (such as structural, functional, and spatial information, amino acid conservation, physicochemical variation, residue mobility, and thermodynamic stability) performed at Invitae indicates that this missense variant is expected to disrupt SOX9 protein function. ClinVar contains an entry for this variant (Variation ID: 1254813). This missense change has been observed in individual(s) with campomelic dysplasia (PMID: 20513132; Invitae). In at least one individual the variant was observed to be de novo. This variant is not present in population databases (gnomAD no frequency). This sequence change replaces methionine, which is neutral and non-polar, with valine, which is neutral and non-polar, at codon 113 of the SOX9 protein (p.Met113Val).

GeneDx
Classification: Pathogenic. Last evaluated: 2021-09-03. Review status: criteria provided, single submitter. Criteria: GeneDx Variant Classification Process June 2021. Collection method: clinical testing. Allele origin: germline. Affected: yes.
Comment: Published functional studies demonstrate M113V binding to several sites from SOX9-responsive regulatory regions was reduced compared to wildtype (Staffler et al., 2010); In silico analysis, which includes protein predictors and evolutionary conservation, supports a deleterious effect; Not observed in large population cohorts (Lek et al., 2016); This variant is associated with the following publications: (PMID: 20513132)

Literature cited by the submitters: PubMed 20513132 (cited by Labcorp Genetics (formerly Invitae), Labcorp); PubMed 32381727 (cited by Labcorp Genetics (formerly Invitae), Labcorp).